The following is an entry in ClinVar:

NM_000878.5(IL2RB):c.750C>T (p.Gly250=)

Gene: IL2RB (interleukin 2 receptor subunit beta; minus strand). Cytogenetic location: 22q12.3.
Variant type: single nucleotide variant.
Coding change: c.750C>T on transcript NM_000878.5 (MANE Select); coding-DNA position 750, C replaced by T.
Protein change: p.Gly250=; no amino-acid change (glycine 250 retained).
Molecular consequence: synonymous variant.
Genome position (GRCh38, 1-based): chr22:37,135,396, G>A on the plus strand (C>T on the coding strand, the complement: IL2RB is on the minus strand). VCF-style: chr22-37135396-G-A. GRCh37 (hg19) VCF-style: chr22-37531436-G-A.
Other names: p.Gly250=; c.750C>T, p.Gly250= (NM_001346222.1, NM_001346223.2); c.750C>T (NM_000878.4).
Identifiers: ClinVar variation 1170851 (VCV001170851.18), dbSNP rs228953, ClinGen allele CA10216529.

ClinVar aggregate classification (germline): Benign. Review status: criteria provided, multiple submitters, no conflicts (2 of 4 stars). 6 submissions from 6 submitters: Benign (5). 1 of the submissions does not count toward it. Last evaluated 2026-02-04.

Conditions:
Immunodeficiency 63 with lymphoproliferation and autoimmunity. Also called: INTERLEUKIN 2 RECEPTOR, BETA, DEFICIENCY OF; IL2RB DEFICIENCY; CD122 DEFICIENCY. Identifiers: MedGen C5193126, MONDO:0032782, OMIM 618495.
IL2RB-related disorder. Also called: IL2RB-related condition.

Allele frequency attached by ClinVar (database versions not stated): 1000 Genomes Project 0.41114; 1000 Genomes Project 30x 0.41302; ExAC 0.42017; TOPMed 0.42210; ESP Exome Variant Server 0.42327; gnomAD exomes 0.42342; gnomAD 0.42989 and 0.43189.
gnomAD v4.1: 695,755 of 1,612,546 alleles (43%); highest among the groups gnomAD compares: East Asian, 44%; 151,103 homozygotes.

Submissions (7):

Labcorp Genetics (formerly Invitae), Labcorp
Classification: Benign. Last evaluated: 2026-02-04. Review status: criteria provided, single submitter. Criteria: Invitae Variant Classification Sherloc (09022015). Collection method: clinical testing. Allele origin: germline.

Unidad de Genómica Garrahan, Hospital de Pediatría Garrahan
Classification: Benign. Last evaluated: 2024-01-24. Review status: criteria provided, single submitter. Criteria: ACMG Guidelines, 2015. Collection method: clinical testing. Allele origin: germline. Affected: no. Observed: 61 variant alleles.
Comment: This variant is classified as Benign based on local population frequency. This variant was detected in 69% of patients studied by a panel of primary immunodeficiencies. Number of patients: 61. Only high quality variants are reported.

Mayo Clinic Laboratories, Mayo Clinic
Classification: Benign. Last evaluated: 2022-09-06. Review status: criteria provided, single submitter. Criteria: ACMG Guidelines, 2015. Collection method: clinical testing. Allele origin: germline. Observed: 504 variant alleles.

Genome-Nilou Lab
Classification: Benign for Immunodeficiency 63 with lymphoproliferation and autoimmunity. Last evaluated: 2021-08-19. Review status: criteria provided, single submitter. Criteria: ACMG Guidelines, 2015. Collection method: clinical testing. Allele origin: germline. Affected: no.

Breakthrough Genomics
Classification: Benign. Review status: criteria provided, single submitter. Criteria: ACMG Guidelines, 2015. Collection method: not provided. Allele origin: germline. Inheritance: Autosomal recessive inheritance. Affected: yes.

PreventionGenetics, part of Exact Sciences
Classification: Benign for IL2RB-related condition. Last evaluated: 2019-10-30. Review status: no assertion criteria provided. Collection method: clinical testing. Allele origin: germline. Not counted in ClinVar's aggregate classification.
Comment: This variant is classified as benign based on ACMG/AMP sequence variant interpretation guidelines (Richards et al. 2015 PMID: 25741868, with internal and published modifications).

Dr. Peter K. Rogan Lab, Western University
No classification provided (evidence only). Condition: Familial cancer of breast. Review status: no classification provided. Collection method: in vitro. Allele origin: not applicable. Functional consequence: retained intron. Not counted in ClinVar's aggregate classification.